The following is an entry in ClinVar:

NM_001999.4(FBN2):c.3359G>A (p.Arg1120Lys)

Gene: FBN2 (fibrillin 2; minus strand). Cytogenetic location: 5q23.3.
Variant type: single nucleotide variant.
Coding change: c.3359G>A on transcript NM_001999.4 (MANE Select); coding-DNA position 3359, G replaced by A.
Protein change: p.Arg1120Lys; replaces arginine 1120 with lysine.
Molecular consequence: missense variant.
Genome position (GRCh38, 1-based): chr5:128,339,046, C>T on the plus strand (G>A on the coding strand, the complement: FBN2 is on the minus strand). VCF-style: chr5-128339046-C-T. GRCh37 (hg19) VCF-style: chr5-127674738-C-T.
Other names: short protein forms R1120K.
Identifiers: ClinVar variation 3340362 (VCV003340362.1).

ClinVar aggregate classification (germline): Uncertain significance (1 of 4 stars; one submission).

Submission:

GeneDx
Classification: Uncertain significance. Last evaluated: 2024-02-14. Review status: criteria provided, single submitter. Criteria: GeneDx Variant Classification Process June 2021. Collection method: clinical testing. Allele origin: germline. Affected: yes.
Comment: Not observed at significant frequency in large population cohorts (gnomAD); In silico analysis supports that this missense variant does not alter protein structure/function; Has not been previously published as pathogenic or benign to our knowledge